The following is an entry in ClinVar:

ClinVar aggregate classification (germline): Uncertain significance. Review status: criteria provided, single submitter (1 of 4 stars). 2 submissions from 2 submitters: Uncertain significance (1). 1 of the submissions does not count toward it. Last evaluated 2021-08-28.

Conditions:
Usher syndrome type 1F (USH1F). Also called: USHER SYNDROME, TYPE IF. Identifiers: Orphanet 231169, Orphanet 886, MedGen C1865885, MONDO:0011186, OMIM 602083.

Allele frequency attached by ClinVar (database versions not stated): gnomAD exomes below 0.00001; TOPMed below 0.00001.
gnomAD v4.1: 2 of 1,613,746 alleles (0.00012%); highest among the groups gnomAD compares: Non-Finnish European, 0.00017%; no homozygotes.

Submissions (2):

Labcorp Genetics (formerly Invitae), Labcorp
Classification: Uncertain significance. Last evaluated: 2021-08-28. Review status: criteria provided, single submitter. Criteria: Invitae Variant Classification Sherloc (09022015). Collection method: clinical testing. Allele origin: germline.
Comment: This sequence change replaces glycine with arginine at codon 1468 of the PCDH15 protein (p.Gly1468Arg). The glycine residue is highly conserved and there is a moderate physicochemical difference between glycine and arginine. This variant is not present in population databases (ExAC no frequency). This variant has not been reported in the literature in individuals affected with PCDH15-related conditions. Algorithms developed to predict the effect of missense changes on protein structure and function are either unavailable or do not agree on the potential impact of this missense change (SIFT: "Deleterious"; PolyPhen-2: "Benign"; Align-GVGD: "Class C0"). In summary, the available evidence is currently insufficient to determine the role of this variant in disease. Therefore, it has been classified as a Variant of Uncertain Significance.

Natera, Inc.
Classification: Uncertain significance for Usher syndrome type 1F. Last evaluated: 2021-03-17. Review status: no assertion criteria provided. Collection method: clinical testing. Allele origin: germline. Not counted in ClinVar's aggregate classification.

NM_033056.4(PCDH15):c.4402G>A (p.Gly1468Arg)

Gene: PCDH15 (protocadherin related 15; minus strand). Cytogenetic location: 10q21.1.
Variant type: single nucleotide variant.
Coding change: c.4402G>A on transcript NM_033056.4 (MANE Plus Clinical); coding-DNA position 4402, G replaced by A.
Protein change: p.Gly1468Arg; replaces glycine 1468 with arginine.
Molecular consequence: missense variant. On other transcripts: intron variant (8).
Genome position (GRCh38, 1-based): chr10:53,823,324, C>T on the plus strand (G>A on the coding strand, the complement: PCDH15 is on the minus strand). VCF-style: chr10-53823324-C-T. GRCh37 (hg19) VCF-style: chr10-55583084-C-T.
Other names: c.4423G>A, p.Gly1475Arg (NM_001142763.2); c.4408G>A, p.Gly1470Arg (NM_001142764.2); c.4195G>A, p.Gly1399Arg (NM_001142765.2); c.4393G>A, p.Gly1465Arg (NM_001142766.2); c.4282G>A, p.Gly1428Arg (NM_001142767.2); c.4342G>A, p.Gly1448Arg (NM_001142768.2); c.4333G>A, p.Gly1445Arg (NM_001142773.2); c.4336G>A, p.Gly1446Arg (NM_001354404.2); and 6 more; short protein forms G1428R, G1448R, G1445R, G1468R, G1399R, G1446R, G1470R, G1465R.
Identifiers: ClinVar variation 837860 (VCV000837860.7), dbSNP rs1406470633, ClinGen allele CA376527412.